The following is an entry in ClinVar:

NM_006231.4(POLE):c.5440G>A (p.Ala1814Thr)

Gene: POLE (DNA polymerase epsilon, catalytic subunit; minus strand). Cytogenetic location: 12q24.33.
Variant type: single nucleotide variant.
Coding change: c.5440G>A on transcript NM_006231.4 (MANE Select); coding-DNA position 5440, G replaced by A.
Protein change: p.Ala1814Thr; replaces alanine 1814 with threonine.
Molecular consequence: missense variant.
Genome position (GRCh38, 1-based): chr12:132,639,237, C>T on the plus strand (G>A on the coding strand, the complement: POLE is on the minus strand). VCF-style: chr12-132639237-C-T. GRCh37 (hg19) VCF-style: chr12-133215823-C-T.
Other names: short protein forms A1814T.
Identifiers: ClinVar variation 4841325 (VCV004841325.1).

ClinVar aggregate classification (germline): Uncertain significance (1 of 4 stars; one submission).

Conditions:
Hereditary cancer-predisposing syndrome. Also called: Neoplastic Syndromes, Hereditary; Tumor predisposition; Hereditary Cancer Syndrome; Hereditary neoplastic syndrome. Identifiers: Orphanet 140162, MedGen C0027672, MeSH D009386, MONDO:0015356.

gnomAD v4.1: 1 of 1,614,152 alleles (0.000062%); no homozygotes.

Submission:

Ambry Genetics
Classification: Uncertain significance for Hereditary cancer-predisposing syndrome. Last evaluated: 2026-02-06. Review status: criteria provided, single submitter. Criteria: Ambry Variant Classification Scheme 2023. Collection method: clinical testing. Allele origin: germline.
Comment: The p.A1814T variant (also known as c.5440G>A), located in coding exon 40 of the POLE gene, results from a G to A substitution at nucleotide position 5440. The alanine at codon 1814 is replaced by threonine, an amino acid with similar properties. This amino acid position is highly conserved in available vertebrate species. In addition, this alteration is predicted to be deleterious by in silico analysis. Based on the available evidence, the clinical significance of this variant remains unclear.